The following is an entry in ClinVar:

NM_016628.5(WAC):c.1048C>T (p.Gln350Ter)

Gene: WAC (WW domain containing adaptor with coiled-coil; plus strand). Cytogenetic location: 10p12.1.
Variant type: single nucleotide variant.
Coding change: c.1048C>T on transcript NM_016628.5 (MANE Select); coding-DNA position 1048, C replaced by T.
Protein change: p.Gln350Ter; replaces glutamine 350 with a stop codon.
Molecular consequence: nonsense.
Genome position (GRCh38, 1-based): chr10:28,608,314, C>T. VCF-style: chr10-28608314-C-T. GRCh37 (hg19) VCF-style: chr10-28897243-C-T.
Other names: c.913C>T, p.Gln305Ter (NM_100264.3); c.739C>T, p.Gln247Ter (NM_100486.4); short protein forms Q247*, Q305*, Q350*.
Identifiers: ClinVar variation 3384132 (VCV003384132.1).

ClinVar aggregate classification (germline): Pathogenic (1 of 4 stars; one submission).

Conditions:
DeSanto-Shinawi syndrome. Also called: WAC-related facial dysmorphism-developmental delay-behavioral abnormalities syndrome. Identifiers: Orphanet 466943, MedGen C4225239, MONDO:0018760.

Submission:

Dubai Health Genomic Medicine Center, Dubai Health
Classification: Pathogenic for Desanto-Shinawi syndrome. Last evaluated: 2024-10-04. Review status: criteria provided, single submitter. Criteria: ACMG Guidelines, 2015. Collection method: research. Allele origin: germline. Affected: yes.
Comment: PVS1,PM6,PM2